The following is an entry in ClinVar:

ClinVar aggregate classification (germline): Pathogenic/Likely pathogenic. Review status: criteria provided, multiple submitters, no conflicts (2 of 4 stars). 4 submissions from 4 submitters: Pathogenic (2); Likely pathogenic (1). 1 of the submissions does not count toward it. Last evaluated 2025-11-21.

Conditions:
Hereditary fructosuria. Also called: ALDOB DEFICIENCY; ALDOLASE B DEFICIENCY; FRUCTOSE-1,6-BISPHOSPHATE ALDOLASE B DEFICIENCY; FRUCTOSE-1-PHOSPHATE ALDOLASE DEFICIENCY; FRUCTOSEMIA; Hereditary fructose intolerance. Identifiers: Orphanet 469, MedGen C0016751, MONDO:0009249, OMIM 229600, HP:0005973. Disease mechanism: loss of function.

Allele frequency attached by ClinVar (database versions not stated): TOPMed below 0.00001; gnomAD exomes 0.00001.

Submissions (4):

Natera, Inc.
Classification: Pathogenic for Fructose intolerance. Last evaluated: 2025-11-21. Review status: criteria provided, single submitter. Criteria: Natera Variant Classification Schema (03/2026). Collection method: clinical testing. Allele origin: germline.
Comment: The c.2T>C variant in ALDOB is predicted to result in start loss due to disruption of the initiator methionine. This variant is expected to result in nonsense mediated decay, truncation, or a dysfunctional protein product. This variant is rare in the general population with a frequency below the threshold expected for the associated phenotype(s). This variant has been observed in one or more individuals affected with the associated recessive disease, as either homozygous or compound heterozygous with a second variant (PMID: 8438046). Additionally, this variant has been observed to segregate in affected family members (PMID: 8438046). Given the available evidence, this variant is classified as Pathogenic.

Fulgent Genetics
Classification: Pathogenic for Hereditary fructosuria. Last evaluated: 2024-03-05. Review status: criteria provided, single submitter. Criteria: ACMG Guidelines, 2015. Collection method: clinical testing. Allele origin: germline.

Labcorp Genetics (formerly Invitae), Labcorp
Classification: Likely pathogenic for Hereditary fructosuria. Last evaluated: 2023-09-13. Review status: criteria provided, single submitter. Criteria: Invitae Variant Classification Sherloc (09022015). Collection method: clinical testing. Allele origin: germline.
Comment: This sequence change affects the initiator methionine of the ALDOB mRNA. The next in-frame methionine is located at codon 40. This variant is present in population databases (no rsID available, gnomAD 0.002%). Disruption of the initiator codon has been observed in individual(s) with hereditary fructose intolerance (PMID: 8438046). In at least one individual the data is consistent with being in trans (on the opposite chromosome) from a pathogenic variant. It has also been observed to segregate with disease in related individuals. ClinVar contains an entry for this variant (Variation ID: 945084). In summary, the currently available evidence indicates that the variant is pathogenic, but additional data are needed to prove that conclusively. Therefore, this variant has been classified as Likely Pathogenic.

ATS em Genética Clínica, Universidade Federal do Rio Grande do Sul
Classification: Pathogenic for Hereditary fructosuria. Last evaluated: 2021-03-18. Review status: no assertion criteria provided. Collection method: literature only. Allele origin: unknown. Affected: yes. Not counted in ClinVar's aggregate classification.

Literature cited by the submitters: PubMed 8438046 (cited by 3 submitters).

NM_000035.4(ALDOB):c.2T>C (p.Met1Thr)

Gene: ALDOB (aldolase, fructose-bisphosphate B; minus strand). Cytogenetic location: 9q31.1.
Variant type: single nucleotide variant.
Coding change: c.2T>C on transcript NM_000035.4 (MANE Select); coding-DNA position 2, T replaced by C.
Protein change: p.Met1Thr; changes the start codon (methionine 1).
Molecular consequence: missense variant, initiator codon variant.
Genome position (GRCh38, 1-based): chr9:101,430,886, A>G on the plus strand (T>C on the coding strand, the complement: ALDOB is on the minus strand). VCF-style: chr9-101430886-A-G. GRCh37 (hg19) VCF-style: chr9-104193168-A-G.
Other names: short protein forms M1T.
Identifiers: ClinVar variation 945084 (VCV000945084.12), dbSNP rs1270747182, ClinGen allele CA374266321.